The following is an entry in ClinVar:

NM_138387.4(G6PC3):c.362C>T (p.Ala121Val)

Gene: G6PC3 (glucose-6-phosphatase catalytic subunit 3; plus strand). Cytogenetic location: 17q21.31.
Variant type: single nucleotide variant.
Coding change: c.362C>T on transcript NM_138387.4 (MANE Select); coding-DNA position 362, C replaced by T.
Protein change: p.Ala121Val; replaces alanine 121 with valine.
Molecular consequence: missense variant.
Genome position (GRCh38, 1-based): chr17:44,074,716, C>T. VCF-style: chr17-44074716-C-T. GRCh37 (hg19) VCF-style: chr17-42152084-C-T.
Other names: c.362C>T, p.Ala121Val (NM_001319945.2); c.17C>T, p.Ala6Val (NM_001384165.1, NM_001384166.1, NM_001384167.1 and 1 more transcripts); short protein forms A121V, A6V.
Identifiers: ClinVar variation 4027566 (VCV004027566.2).

ClinVar aggregate classification (germline): Uncertain significance. Review status: criteria provided, multiple submitters, no conflicts (2 of 4 stars). 2 submissions from 2 submitters: Uncertain significance (2). Last evaluated 2025-03-28.

Conditions:
Inborn genetic diseases. Identifiers: MedGen C0950123, MeSH D030342.

gnomAD v4.1: 2 of 1,614,086 alleles (0.00012%); highest among the groups gnomAD compares: Non-Finnish European, 0.00017%; no homozygotes.

Submissions (2):

Ambry Genetics
Classification: Uncertain significance for Inborn genetic diseases. Last evaluated: 2025-03-28. Review status: criteria provided, single submitter. Criteria: Ambry Variant Classification Scheme 2023. Collection method: clinical testing. Allele origin: germline.
Comment: The p.A121V variant (also known as c.362C>T), located in coding exon 3 of the G6PC3 gene, results from a C to T substitution at nucleotide position 362. The alanine at codon 121 is replaced by valine, an amino acid with similar properties. This amino acid position is conserved. In addition, this alteration is predicted to be tolerated by in silico analysis. Based on the available evidence, the clinical significance of this variant remains unclear.

Blueprint Genetics
Classification: Uncertain significance. Last evaluated: 2022-02-28. Review status: criteria provided, single submitter. Criteria: ACMG Guidelines, 2015. Collection method: clinical testing. Allele origin: germline.